The following is an entry in ClinVar:

ClinVar aggregate classification (germline): Likely pathogenic (1 of 4 stars; one submission).

Conditions:
KBG syndrome (KBGS). Also called: ANKRD11-Related KBG Syndrome. Identifiers: Orphanet 2332, MedGen C0220687, MONDO:0007846, OMIM 148050.

Submission:

3billion
Classification: Likely pathogenic for KBG syndrome. Last evaluated: 2025-12-05. Review status: criteria provided, single submitter. Criteria: ACMG Guidelines, 2015. Collection method: clinical testing. Allele origin: germline. Affected: yes.
Comment: The variant is not observed in the gnomAD v4.1.0 dataset. Predicted Consequence/Location: Stop-gained (nonsense): predicted to result in a loss or disruption of normal protein function through nonsense-mediated decay (NMD) or protein truncation. Multiple pathogenic variants are reported downstream of the variant. Therefore, this variant is classified as Likely pathogenic according to the recommendation of ACMG/AMP guideline.

NM_013275.6(ANKRD11):c.5036G>A (p.Trp1679Ter)

Gene: ANKRD11 (ankyrin repeat domain 11; minus strand). Cytogenetic location: 16q24.3.
Variant type: single nucleotide variant.
Coding change: c.5036G>A on transcript NM_013275.6 (MANE Select); coding-DNA position 5036, G replaced by A.
Protein change: p.Trp1679Ter; replaces tryptophan 1679 with a stop codon.
Molecular consequence: nonsense.
Genome position (GRCh38, 1-based): chr16:89,281,506, C>T on the plus strand (G>A on the coding strand, the complement: ANKRD11 is on the minus strand). VCF-style: chr16-89281506-C-T. GRCh37 (hg19) VCF-style: chr16-89347914-C-T.
Other names: c.5036G>A, p.Trp1679Ter (NM_001256182.2, NM_001256183.2); short protein forms W1679*.
Identifiers: ClinVar variation 4855957 (VCV004855957.1).
Genomic context (GRCh38, chr16:89,281,506, plus strand): 5'-CGGCTCTGGTCAGGCCTGGGGGACGCAGGCAGGACCTCTTTCATGTGAGGGCCTGCCAGC[C>T]AGTCTTTGGAGTCTGCACCTGATGCTGGGTGTAGCTTATTTTCCGCGGCAGGTGGAATAG-3'